The following is an entry in ClinVar:

ClinVar aggregate classification (germline): Uncertain significance (1 of 4 stars; one submission).

Conditions:
EGFR-related lung cancer (EGFR). Identifiers: MedGen CN130014.

Allele frequency attached by ClinVar (database versions not stated): gnomAD 0.00001.
gnomAD v4.1: 1 of 1,614,064 alleles (0.000062%); highest among the groups gnomAD compares: East Asian, 0.0022%; no homozygotes.

Submission:

Labcorp Genetics (formerly Invitae), Labcorp
Classification: Uncertain significance for EGFR-related lung cancer. Last evaluated: 2021-12-15. Review status: criteria provided, single submitter. Criteria: Invitae Variant Classification Sherloc (09022015). Collection method: clinical testing. Allele origin: germline.
Comment: In summary, the available evidence is currently insufficient to determine the role of this variant in disease. Therefore, it has been classified as a Variant of Uncertain Significance. This sequence change replaces threonine, which is neutral and polar, with alanine, which is neutral and non-polar, at codon 594 of the EGFR protein (p.Thr594Ala). This variant is not present in population databases (gnomAD no frequency). This variant has not been reported in the literature in individuals affected with EGFR-related conditions. Algorithms developed to predict the effect of missense changes on protein structure and function output the following: SIFT: "Tolerated"; PolyPhen-2: "Benign"; Align-GVGD: "Class C0". The alanine amino acid residue is found in multiple mammalian species, which suggests that this missense change does not adversely affect protein function.

NM_005228.5(EGFR):c.1780A>G (p.Thr594Ala)

Gene: EGFR (epidermal growth factor receptor; plus strand). Cytogenetic location: 7p11.2.
Variant type: single nucleotide variant.
Coding change: c.1780A>G on transcript NM_005228.5 (MANE Select); coding-DNA position 1780, A replaced by G.
Protein change: p.Thr594Ala; replaces threonine 594 with alanine.
Molecular consequence: missense variant.
Genome position (GRCh38, 1-based): chr7:55,165,337, A>G. VCF-style: chr7-55165337-A-G. GRCh37 (hg19) VCF-style: chr7-55233030-A-G.
Other names: c.1645A>G, p.Thr549Ala (NM_001346897.2, NM_001346899.2); c.1780A>G, p.Thr594Ala (NM_001346898.2, NM_201282.2, NM_201284.2); c.1621A>G, p.Thr541Ala (NM_001346900.2); c.979A>G, p.Thr327Ala (NM_001346941.2); short protein forms T327A, T549A, T594A, T541A.
Identifiers: ClinVar variation 1469267 (VCV001469267.6), dbSNP rs1785915848, ClinGen allele CA367580799.